The following is an entry in ClinVar:

NM_001164277.2(SLC37A4):c.621_626+17del

Gene: SLC37A4 (solute carrier family 37 member 4; minus strand). Cytogenetic location: 11q23.3.
Variant type: Deletion.
Coding change: c.621_626+17del on transcript NM_001164277.2 (MANE Select); coding-DNA position 621 through 17 bases into the intron after coding-DNA position 626, 23 bases deleted (AGAAGGGTGAGCCCCCACCCAGA).
Molecular consequence: splice donor variant.
Genome position (GRCh38, 1-based): chr11:119,027,611-119,027,633, TCTGGGTGGGGGCTCACCCTTCT deleted on the plus strand (AGAAGGGTGAGCCCCCACCCAGA on the coding strand, the reverse complement: SLC37A4 is on the minus strand); deleting any 23 consecutive bases within chr11:119,027,611-119,027,634 gives the same sequence; the c. name uses the placement nearest the transcript's 3' end. VCF-style (leftmost placement, unchanged base first): chr11-119027610-GTCTGGGTGGGGGCTCACCCTTCT-G. GRCh37 (hg19) VCF-style: chr11-118898320-GTCTGGGTGGGGGCTCACCCTTCT-G.
Other names: c.402_407+17del (NM_001164279.2); c.621_626+17del (NM_001467.6, NM_001164278.2, NM_001164280.2).
Identifiers: ClinVar variation 4061751 (VCV004061751.2).

ClinVar aggregate classification (germline): Likely pathogenic (1 of 4 stars; one submission).

Conditions:
Glucose-6-phosphate transport defect (GSD1B). Also called: Glycogen Storage Disease Type Ib; GSD Ib. Identifiers: Orphanet 364, Orphanet 79259, MedGen C0268146, MONDO:0009288, OMIM 232220.

Submission:

Natera, Inc.
Classification: Likely pathogenic for Glycogen storage disease type Ib. Last evaluated: 2025-01-23. Review status: criteria provided, single submitter. Criteria: Natera Variant Classification Schema (03/2026). Collection method: clinical testing. Allele origin: germline.
Comment: The c.620_625+17del variant in SLC37A4 is a deletion affecting a canonical splice donor site and part of an exon. This variant is expected to result in nonsense mediated decay, truncation, or a dysfunctional protein product. This variant is rare in the general population with a frequency below the threshold expected for the associated phenotype(s). Given the available evidence, this variant is classified as Likely Pathogenic.